The following is an entry in ClinVar:

ClinVar aggregate classification (germline): Uncertain significance (1 of 4 stars; one submission).

Conditions:
Hereditary cancer-predisposing syndrome. Also called: Neoplastic Syndromes, Hereditary; Hereditary Cancer Syndrome; Hereditary neoplastic syndrome; Tumor predisposition. Identifiers: Orphanet 140162, MedGen C0027672, MeSH D009386, MONDO:0015356.

Submission:

Ambry Genetics
Classification: Uncertain significance for Hereditary cancer-predisposing syndrome. Last evaluated: 2023-04-03. Review status: criteria provided, single submitter. Criteria: Ambry Variant Classification Scheme 2023. Collection method: clinical testing. Allele origin: germline.
Comment: The p.K243E variant (also known as c.727A>G), located in coding exon 3 of the XRCC2 gene, results from an A to G substitution at nucleotide position 727. The lysine at codon 243 is replaced by glutamic acid, an amino acid with similar properties. This amino acid position is conserved. In addition, this alteration is predicted to be tolerated by in silico analysis. Since supporting evidence is limited at this time, the clinical significance of this alteration remains unclear.

NM_005431.2(XRCC2):c.727A>G (p.Lys243Glu)

Gene: XRCC2 (X-ray repair cross complementing 2; minus strand). Cytogenetic location: 7q36.1.
Variant type: single nucleotide variant.
Coding change: c.727A>G on transcript NM_005431.2 (MANE Select); coding-DNA position 727, A replaced by G.
Protein change: p.Lys243Glu; replaces lysine 243 with glutamic acid.
Molecular consequence: missense variant.
Genome position (GRCh38, 1-based): chr7:152,648,758, T>C on the plus strand (A>G on the coding strand, the complement: XRCC2 is on the minus strand). VCF-style: chr7-152648758-T-C. GRCh37 (hg19) VCF-style: chr7-152345843-T-C.
Other names: short protein forms K243E.
Identifiers: ClinVar variation 2560334 (VCV002560334.2), dbSNP rs2485880391, ClinGen allele CA370198074.
Genomic context (GRCh38, chr7:152,648,758, plus strand): 5'-TACTTTTTAAACAACGTGAAACTAATGAAAATTGGTTGCTGCTTTGAGAATCATCTTGTT[T>C]GGAGAAAAACATCCTGTGCTTCACCAGTTGCTGCCATGCCTTACAGAGATAAGGTCTGTA-3'
Protein context (NP_005422.1, residues 233-253): QLVKHRMFFS[Lys243Glu]QDDSQSSNQF